The following is an entry in ClinVar:

NM_206933.4(USH2A):c.11288_11295del (p.Tyr3763fs)

Gene: USH2A (usherin; minus strand). Cytogenetic location: 1q41.
Variant type: Deletion.
Coding change: c.11288_11295del on transcript NM_206933.4 (MANE Select); coding-DNA positions 11288 to 11295, 8 bases deleted (ACATTGTT; older notation c.11288_11295delACATTGTT).
Protein change: p.Tyr3763fs; shifts the reading frame from tyrosine 3763.
Molecular consequence: frameshift variant.
Genome position (GRCh38, 1-based): chr1:215,758,689-215,758,696, AACAATGT deleted on the plus strand (ACATTGTT on the coding strand, the reverse complement: USH2A is on the minus strand); deleting any 8 consecutive bases within chr1:215,758,689-215,758,698 gives the same sequence; the c. name uses the placement nearest the transcript's 3' end. VCF-style (leftmost placement, unchanged base first): chr1-215758688-GAACAATGT-G. GRCh37 (hg19) VCF-style: chr1-215932030-GAACAATGT-G.
Other names: short protein forms Y3763fs.
Identifiers: ClinVar variation 1075806 (VCV001075806.7), dbSNP rs2102741288, ClinGen allele CA2499214467.

ClinVar aggregate classification (germline): Pathogenic (1 of 4 stars; one submission).

Submission:

Labcorp Genetics (formerly Invitae), Labcorp
Classification: Pathogenic. Last evaluated: 2020-02-04. Review status: criteria provided, single submitter. Criteria: Invitae Variant Classification Sherloc (09022015). Collection method: clinical testing. Allele origin: germline.
Comment: For these reasons, this variant has been classified as Pathogenic. Loss-of-function variants in USH2A are known to be pathogenic (PMID: 10729113, 10909849, 20507924, 25649381). This variant has not been reported in the literature in individuals with USH2A-related conditions. This variant is not present in population databases (ExAC no frequency). This sequence change creates a premature translational stop signal (p.Tyr3763Serfs*15) in the USH2A gene. It is expected to result in an absent or disrupted protein product.

Literature cited by the submitters: PubMed 10729113; PubMed 10909849; PubMed 20507924; PubMed 25649381.